The following is an entry in ClinVar:

ClinVar aggregate classification (germline): Uncertain significance (1 of 4 stars; one submission).

Submission:

Labcorp Genetics (formerly Invitae), Labcorp
Classification: Uncertain significance. Last evaluated: 2023-01-13. Review status: criteria provided, single submitter. Criteria: Invitae Variant Classification Sherloc (09022015). Collection method: clinical testing. Allele origin: germline.
Comment: In summary, the available evidence is currently insufficient to determine the role of this variant in disease. Therefore, it has been classified as a Variant of Uncertain Significance. This sequence change creates a premature translational stop signal (p.Ala208Profs*84) in the TUBA8 gene. It is expected to result in an absent or disrupted protein product. However, the current clinical and genetic evidence is not sufficient to establish whether loss-of-function variants in TUBA8 cause disease. This variant is not present in population databases (gnomAD no frequency). This variant has not been reported in the literature in individuals affected with TUBA8-related conditions.

NM_018943.3(TUBA8):c.621del (p.Ala208fs)

Gene: TUBA8 (tubulin alpha 8; plus strand). Cytogenetic location: 22q11.21.
Variant type: Deletion.
Coding change: c.621del on transcript NM_018943.3 (MANE Select); coding-DNA position 621, one base deleted (A; older notation c.621delA).
Protein change: p.Ala208fs; shifts the reading frame from alanine 208.
Molecular consequence: frameshift variant.
Genome position (GRCh38, 1-based): chr22:18,126,599, A deleted; the last of 2 consecutive A bases (chr22:18,126,598-18,126,599); deleting either gives the same sequence. VCF-style (leftmost placement, unchanged base first): chr22-18126597-GA-G. GRCh37 (hg19) VCF-style: chr22-18609364-GA-G.
Other names: c.423del, p.Ala142fs (NM_001193414.2); short protein forms A142fs, A208fs.
Identifiers: ClinVar variation 2828179 (VCV002828179.3), dbSNP rs1928330620, ClinGen allele CA2395424817.